The following is an entry in ClinVar:

ClinVar aggregate classification (germline): Uncertain significance (1 of 4 stars; one submission).

Conditions:
Atrioventricular septal defect 4 (AVSD4). Identifiers: MedGen C3280781, MONDO:0013747, OMIM 614430.

Submission:

Labcorp Genetics (formerly Invitae), Labcorp
Classification: Uncertain significance for Atrioventricular septal defect 4. Last evaluated: 2023-11-09. Review status: criteria provided, single submitter. Criteria: Invitae Variant Classification Sherloc (09022015). Collection method: clinical testing. Allele origin: germline.
Comment: This sequence change replaces threonine, which is neutral and polar, with alanine, which is neutral and non-polar, at codon 277 of the GATA4 protein (p.Thr277Ala). This variant is not present in population databases (gnomAD no frequency). This variant has not been reported in the literature in individuals affected with GATA4-related conditions. Advanced modeling of protein sequence and biophysical properties (such as structural, functional, and spatial information, amino acid conservation, physicochemical variation, residue mobility, and thermodynamic stability) performed at Invitae indicates that this missense variant is not expected to disrupt GATA4 protein function with a negative predictive value of 80%. In summary, the available evidence is currently insufficient to determine the role of this variant in disease. Therefore, it has been classified as a Variant of Uncertain Significance.

NM_001308093.3(GATA4):c.832A>G (p.Thr278Ala)

Gene: GATA4 (GATA binding protein 4). Cytogenetic location: 8p23.1.
Variant type: single nucleotide variant.
Coding change: c.832A>G on transcript NM_001308093.3 (MANE Select); coding-DNA position 832, A replaced by G.
Protein change: p.Thr278Ala; replaces threonine 278 with alanine.
Molecular consequence: missense variant. On other transcripts: intron variant (1).
Genome position (GRCh38, 1-based): chr8:11,750,156, A>G. VCF-style: chr8-11750156-A-G. GRCh37 (hg19) VCF-style: chr8-11607665-A-G.
Other names: c.211A>G, p.Thr71Ala (NM_001308094.2, NM_001374273.1); c.829A>G, p.Thr277Ala (NM_002052.5); c.165+1071A>G (NM_001374274.1); short protein forms T278A, T277A, T71A.
Identifiers: ClinVar variation 2991305 (VCV002991305.3), dbSNP rs761129819, ClinGen allele CA370312991.